The following is an entry in ClinVar:

ClinVar aggregate classification (germline): Uncertain significance. Review status: criteria provided, multiple submitters, no conflicts (2 of 4 stars). 2 submissions from 2 submitters: Uncertain significance (2). Last evaluated 2025-05-30.

Conditions:
PHIP-related disorder. Also called: PHIP-related condition; PHIP-related disorders.

gnomAD v4.1: 2 of 1,585,570 alleles (0.00013%); highest among the groups gnomAD compares: Non-Finnish European, 0.000086%; no homozygotes.

Submissions (2):

Labcorp Genetics (formerly Invitae), Labcorp
Classification: Uncertain significance. Last evaluated: 2025-05-30. Review status: criteria provided, single submitter. Criteria: Invitae Variant Classification Sherloc (09022015). Collection method: clinical testing. Allele origin: germline.
Comment: This sequence change replaces glutamic acid, which is acidic and polar, with aspartic acid, which is acidic and polar, at codon 811 of the PHIP protein (p.Glu811Asp). This variant is not present in population databases (gnomAD no frequency). This variant has not been reported in the literature in individuals affected with PHIP-related conditions. Invitae Evidence Modeling of protein sequence and biophysical properties (such as structural, functional, and spatial information, amino acid conservation, physicochemical variation, residue mobility, and thermodynamic stability) indicates that this missense variant is not expected to disrupt PHIP protein function with a negative predictive value of 95%. In summary, the available evidence is currently insufficient to determine the role of this variant in disease. Therefore, it has been classified as a Variant of Uncertain Significance.

PreventionGenetics, part of Exact Sciences
Classification: Uncertain significance for PHIP-related condition. Last evaluated: 2025-04-09. Review status: criteria provided, single submitter. Criteria: ACMG Guidelines, 2015. Collection method: clinical testing. Allele origin: germline.
Comment: The PHIP c.2433G>T variant is predicted to result in the amino acid substitution p.Glu811Asp. To our knowledge, this variant has not been reported in the literature or in a large population database (gnomAD), indicating this variant is rare. At this time, the clinical significance of this variant is uncertain due to the absence of conclusive functional and genetic evidence.

NM_017934.7(PHIP):c.2433G>T (p.Glu811Asp)

Gene: PHIP (PHIP subunit of CUL4-Ring ligase complex; minus strand). Cytogenetic location: 6q14.1.
Variant type: single nucleotide variant.
Coding change: c.2433G>T on transcript NM_017934.7 (MANE Select); coding-DNA position 2433, G replaced by T.
Protein change: p.Glu811Asp; replaces glutamic acid 811 with aspartic acid.
Molecular consequence: missense variant.
Genome position (GRCh38, 1-based): chr6:78,988,236, C>A on the plus strand (G>T on the coding strand, the complement: PHIP is on the minus strand). VCF-style: chr6-78988236-C-A. GRCh37 (hg19) VCF-style: chr6-79697953-C-A.
Other names: c.2433G>T (NM_017934.6); short protein forms E811D.
Identifiers: ClinVar variation 4759838 (VCV004759838.2).
Genomic context (GRCh38, chr6:78,988,236, plus strand): 5'-GACATCTAATTTATGAATGTGCTGATATCTTACATCTGAAGAACTACTGCCATTTTCTAT[C>A]TCTTCTGAGGGTCTAGGAGTCTCTTCCAATGCAGATCTTGTACGATAATTGTGTTGATTT-3'
Protein context (NP_060404.4, residues 801-821): ALEETPRPSE[Glu811Asp]IENGSSSSDE